The following is an entry in ClinVar:

NM_000512.5(GALNS):c.634-1G>T

Gene: GALNS (galactosamine (N-acetyl)-6-sulfatase; minus strand). Cytogenetic location: 16q24.3.
Variant type: single nucleotide variant.
Coding change: c.634-1G>T on transcript NM_000512.5 (MANE Select); the canonical splice acceptor site of the intron before coding-DNA position 634, G replaced by T.
Molecular consequence: splice acceptor variant.
Genome position (GRCh38, 1-based): chr16:88,835,850, C>A on the plus strand (G>T on the coding strand, the complement: GALNS is on the minus strand). VCF-style: chr16-88835850-C-A. GRCh37 (hg19) VCF-style: chr16-88902258-C-A.
Other names: c.79-1G>T (NM_001323543.2); c.652-1G>T (NM_001323544.2).
Identifiers: ClinVar variation 1048467 (VCV001048467.3), dbSNP rs2143001463, ClinGen allele CA397080849.

ClinVar aggregate classification (germline): Likely pathogenic (1 of 4 stars; one submission).

Conditions:
Mucopolysaccharidosis, MPS-IV-A (MPS4A). Also called: Mucopolysaccharidosis type IV A; Mucopolysaccharidosis Type IVA; Morquio syndrome A, mild; MORQUIO SYNDROME A; MPS IVA; mucopolysaccharidosis type 4A. Identifiers: Orphanet 309297, Orphanet 582, MedGen C0086651, MONDO:0009659, OMIM 253000.

Submission:

Laboratory of Diagnosis and Therapy of Lysosomal Disorders, University of Padova
Classification: Likely pathogenic for Mucopolysaccharidosis, MPS-IV-A. Last evaluated: 2021-02-01. Review status: criteria provided, single submitter. Criteria: ACMG Guidelines, 2015. Collection method: curation. Allele origin: germline. Affected: yes.
Comment: Splicing variant in canonical site (PVS1_very strong); absent from gnomAD v2.1.1 (PM2_moderate)

Literature cited by the submitters: PubMed 23876334; PubMed 34387910.